The following is an entry in ClinVar:

NM_001127222.2(CACNA1A):c.4371G>A (p.Thr1457=)

Gene: CACNA1A (calcium voltage-gated channel subunit alpha1 A; minus strand). Cytogenetic location: 19p13.13.
Variant type: single nucleotide variant.
Coding change: c.4371G>A on transcript NM_001127222.2 (MANE Select); coding-DNA position 4371, G replaced by A.
Protein change: p.Thr1457=; no amino-acid change (threonine 1457 retained).
Molecular consequence: synonymous variant.
Genome position (GRCh38, 1-based): chr19:13,259,581, C>T on the plus strand (G>A on the coding strand, the complement: CACNA1A is on the minus strand). VCF-style: chr19-13259581-C-T. GRCh37 (hg19) VCF-style: chr19-13370395-C-T.
Other names: c.4383G>A, p.Thr1461= (NM_000068.4, NM_023035.3); c.4374G>A, p.Thr1458= (NM_001127221.2, NM_001174080.2).
Identifiers: ClinVar variation 633482 (VCV000633482.10), dbSNP rs368100270, ClinGen allele CA9240028.

ClinVar aggregate classification (germline): Conflicting classifications of pathogenicity. Review status: criteria provided, conflicting classifications (1 of 4 stars). 3 submissions from 3 submitters: Uncertain significance (1); Likely benign (1). 1 of the submissions does not count toward it. Last evaluated 2025-04-07.

Conditions:
Episodic ataxia type 2 (EA2). Also called: EPISODIC ATAXIA, NYSTAGMUS-ASSOCIATED; ATAXIA, EPISODIC, WITH NYSTAGMUS; ATAXIA, FAMILIAL PAROXYSMAL; CEREBELLAR ATAXIA, PAROXYSMAL, ACETAZOLAMIDE-RESPONSIVE; CEREBELLOPATHY, HEREDITARY PAROXYSMAL; ACETAZOLAMIDE-RESPONSIVE HEREDITARY PAROXYSMAL CEREBELLAR ATAXIA. Identifiers: Orphanet 97, MedGen C1720416, MONDO:0007163, OMIM 108500.
Developmental and epileptic encephalopathy, 42 (DEE42A). Also called: Epileptic encephalopathy, early infantile, 42; DEVELOPMENTAL AND EPILEPTIC ENCEPHALOPATHY 42A; EPILEPTIC ENCEPHALOPATHY, EARLY INFANTILE, 42A. Identifiers: MedGen C4310716, MONDO:0014917, OMIM 617106.
Seizure. Also called: Seizures. Identifiers: MedGen C0036572, HP:0001250.

Allele frequency attached by ClinVar (database versions not stated): gnomAD exomes 0.00003; gnomAD 0.00004; TOPMed 0.00005; ExAC 0.00006; ESP Exome Variant Server 0.00008.
gnomAD v4.1: 32 of 1,607,742 alleles (0.002%); highest among the groups gnomAD compares: Middle Eastern, 0.016%; no homozygotes.

Submissions (3):

Labcorp Genetics (formerly Invitae), Labcorp
Classification: Likely benign for Developmental and epileptic encephalopathy, 42; Episodic ataxia type 2. Last evaluated: 2025-04-07. Review status: criteria provided, single submitter. Criteria: Invitae Variant Classification Sherloc (09022015). Collection method: clinical testing. Allele origin: germline.

GeneDx
Classification: Uncertain significance. Last evaluated: 2019-09-26. Review status: criteria provided, single submitter. Criteria: GeneDx Variant Classification Process June 2021. Collection method: clinical testing. Allele origin: germline. Affected: yes.
Comment: Has not been previously published as pathogenic or benign to our knowledge; In silico analysis, which includes splice predictors and evolutionary conservation, suggests this variant may impact gene splicing. In the absence of RNA/functional studies, the actual effect of this sequence change is unknown.

Clinical Molecular Genetics Laboratory, Johns Hopkins All Children's Hospital
Classification: Uncertain significance for Seizures. Last evaluated: 2017-09-01. Review status: no assertion criteria provided. Collection method: clinical testing. Allele origin: germline. Affected: yes. Not counted in ClinVar's aggregate classification.